The following is an entry in ClinVar:

NM_000443.4(ABCB4):c.245C>A (p.Thr82Asn)

Gene: ABCB4 (ATP binding cassette subfamily B member 4; minus strand). Cytogenetic location: 7q21.12.
Variant type: single nucleotide variant.
Coding change: c.245C>A on transcript NM_000443.4 (MANE Select); coding-DNA position 245, C replaced by A.
Protein change: p.Thr82Asn; replaces threonine 82 with asparagine.
Molecular consequence: missense variant.
Genome position (GRCh38, 1-based): chr7:87,462,799, G>T on the plus strand (C>A on the coding strand, the complement: ABCB4 is on the minus strand). VCF-style: chr7-87462799-G-T. GRCh37 (hg19) VCF-style: chr7-87092115-G-T.
Other names: c.245C>A, p.Thr82Asn (NM_018849.3, NM_018850.3); short protein forms T82N.
Identifiers: ClinVar variation 4846645 (VCV004846645.1).

ClinVar aggregate classification (germline): Uncertain significance (1 of 4 stars; one submission).

Conditions:
Familial intrahepatic cholestasis. Identifiers: Orphanet 284385, MedGen CN296401, MONDO:0017290.

Submission:

Genomenon, Inc
Classification: Uncertain significance for Familial intrahepatic cholestasis. Last evaluated: 2026-04-14. Review status: criteria provided, single submitter. Criteria: Genomenon Sequence Variant Interpretation Standards - Updated. Collection method: curation. Allele origin: germline. Affected: yes.
Comment: ABCB4 p.Thr82Asn (c.245C>A) is a missense variant that changes the amino acid at residue 82 from Threonine to Asparagine. This variant has been observed in at least one proband with an ABCB4-related disorder (PMID:26256905). Functional studies have been reported (PMID:26256905). It is absent or not present at a significant frequency in gnomAD. In silico models predict that this variant is possibly or probably damaging. In conclusion, we classify ABCB4 p.Thr82Asn (c.245C>A) as a variant of uncertain significance.

Literature cited by the submitters: PubMed 26256905.